The following is an entry in ClinVar:

NM_001267550.2(TTN):c.48902del (p.Gln16301fs)

Genes: TTN (titin; minus strand), TTN-AS1 (TTN antisense RNA 1; plus strand), LOC126806426 (BRD4-independent group 4 enhancer GRCh37_chr2:179478848-179480047; plus strand). Cytogenetic location: 2q31.2.
Variant type: Deletion.
Coding change: c.48902del on transcript NM_001267550.2 (MANE Select); coding-DNA position 48902, one base deleted (A; older notation c.48902delA).
Protein change: p.Gln16301fs; shifts the reading frame from glutamine 16301.
Molecular consequence: frameshift variant. On other transcripts: non-coding transcript variant (1).
Genome position (GRCh38, 1-based): chr2:178,614,612, T deleted on the plus strand (A on the coding strand, the reverse complement: TTN is on the minus strand). VCF-style (leftmost placement, unchanged base first): chr2-178614611-CT-C. GRCh37 (hg19) VCF-style: chr2-179479338-CT-C.
Other names: c.43979del, p.Gln14660fs (NM_001256850.1); c.21707del, p.Gln7236fs (NM_003319.4); c.41198del, p.Gln13733fs (NM_133378.4); c.22082del, p.Gln7361fs (NM_133432.3); c.22283del, p.Gln7428fs (NM_133437.4); short protein forms Q13733fs, Q14660fs, Q16301fs, Q7236fs, Q7361fs, Q7428fs.
Identifiers: ClinVar variation 3382214 (VCV003382214.3).

ClinVar aggregate classification (germline): Likely pathogenic (1 of 4 stars; one submission).

Conditions:
Dilated cardiomyopathy 1G (CMD1G). Identifiers: Orphanet 154, MedGen C1858763, MONDO:0011400, OMIM 604145.

Submission:

Juno Genomics, Hangzhou Juno Genomics, Inc
Classification: Likely pathogenic for Dilated cardiomyopathy 1G. Review status: criteria provided, single submitter. Criteria: ACMG Guidelines, 2015. Collection method: clinical testing. Allele origin: germline.
Comment: Absent from controls (or at extremely low frequency if recessive) in Genome Aggregation Database.;Null variant in a gene where loss of function (LOF) is a known mechanism of disease.